The following is an entry in ClinVar:

NM_001130009.3(GEN1):c.570A>T (p.Lys190Asn)

Gene: GEN1 (GEN1 Holliday junction 5' flap endonuclease; plus strand). Cytogenetic location: 2p24.2.
Variant type: single nucleotide variant.
Coding change: c.570A>T on transcript NM_001130009.3 (MANE Select); coding-DNA position 570, A replaced by T.
Protein change: p.Lys190Asn; replaces lysine 190 with asparagine.
Molecular consequence: missense variant.
Genome position (GRCh38, 1-based): chr2:17,766,623, A>T. VCF-style: chr2-17766623-A-T. GRCh37 (hg19) VCF-style: chr2-17947890-A-T.
Other names: c.570A>T, p.Lys190Asn (NM_182625.5); short protein forms K190N.
Identifiers: ClinVar variation 4262998 (VCV004262998.1).
Genomic context (GRCh38, chr2:17,766,623, plus strand): 5'-TCTGTTCTTTCTTTAGGACCCACATGTTGACTGTTACACAATGTCATCTATCAAGAGTAA[A>T]CTAGGTTTGGATAGAGATGCTCTGGTTGGATTAGCAATACTTCTTGGCTGTGATTATCTC-3'
Protein context (NP_001123481.3, residues 180-200): DCYTMSSIKS[Lys190Asn]LGLDRDALVG

ClinVar aggregate classification (germline): Uncertain significance (1 of 4 stars; one submission).

Submission:

Ambry Genetics
Classification: Uncertain significance. Last evaluated: 2025-06-28. Review status: criteria provided, single submitter. Criteria: Ambry Variant Classification Scheme 2023. Collection method: clinical testing. Allele origin: germline.
Comment: The p.K190N variant (also known as c.570A>T), located in coding exon 4 of the GEN1 gene, results from an A to T substitution at nucleotide position 570. The lysine at codon 190 is replaced by asparagine, an amino acid with similar properties. This amino acid position is conserved. In addition, this alteration is predicted to be tolerated by in silico analysis. Based on the available evidence, the clinical significance of this variant remains unclear.